The following is an entry in ClinVar:

NM_019066.5(MAGEL2):c.1220C>T (p.Pro407Leu)

Gene: MAGEL2 (MAGE family member L2; minus strand). Cytogenetic location: 15q11.2.
Variant type: single nucleotide variant.
Coding change: c.1220C>T on transcript NM_019066.5 (MANE Select); coding-DNA position 1220, C replaced by T.
Protein change: p.Pro407Leu; replaces proline 407 with leucine.
Molecular consequence: missense variant.
Genome position (GRCh38, 1-based): chr15:23,646,523, G>A on the plus strand (C>T on the coding strand, the complement: MAGEL2 is on the minus strand). VCF-style: chr15-23646523-G-A. GRCh37 (hg19) VCF-style: chr15-23891670-G-A.
Other names: short protein forms P407L.
Identifiers: ClinVar variation 930910 (VCV000930910.9), dbSNP rs964772041, ClinGen allele CA267660614.

ClinVar aggregate classification (germline): Uncertain significance. Review status: criteria provided, multiple submitters, no conflicts (2 of 4 stars). 4 submissions from 4 submitters: Uncertain significance (3). 1 of the submissions does not count toward it. Last evaluated 2024-10-16.

Conditions:
MAGEL2-related disorder. Also called: MAGEL2-related condition.
Inborn genetic diseases. Identifiers: MedGen C0950123, MeSH D030342.
Prader-Willi syndrome (PWS). Identifiers: Orphanet 739, MedGen C0032897, MONDO:0008300, OMIM 176270. Disease mechanism: loss of function, Microdeletion. Inheritance: Microdletion.

Allele frequency attached by ClinVar (database versions not stated): TOPMed below 0.00001; gnomAD 0.00001.
gnomAD v4.1: 9 of 1,468,814 alleles (0.00061%); highest among the groups gnomAD compares: Middle Eastern, 0.021%; no homozygotes.

Submissions (4):

Labcorp Genetics (formerly Invitae), Labcorp
Classification: Uncertain significance. Last evaluated: 2024-10-16. Review status: criteria provided, single submitter. Criteria: Invitae Variant Classification Sherloc (09022015). Collection method: clinical testing. Allele origin: germline.
Comment: This sequence change replaces proline, which is neutral and non-polar, with leucine, which is neutral and non-polar, at codon 407 of the MAGEL2 protein (p.Pro407Leu). This variant is present in population databases (no rsID available, gnomAD 0.007%). This variant has not been reported in the literature in individuals affected with MAGEL2-related conditions. ClinVar contains an entry for this variant (Variation ID: 930910). An algorithm developed to predict the effect of missense changes on protein structure and function outputs the following: PolyPhen-2: "Not Available". The leucine amino acid residue is found in multiple mammalian species, which suggests that this missense change does not adversely affect protein function. In summary, the available evidence is currently insufficient to determine the role of this variant in disease. Therefore, it has been classified as a Variant of Uncertain Significance.

Ambry Genetics
Classification: Uncertain significance for Inborn genetic diseases. Last evaluated: 2023-12-26. Review status: criteria provided, single submitter. Criteria: Ambry Variant Classification Scheme 2023. Collection method: clinical testing. Allele origin: germline.

Centre for Mendelian Genomics, University Medical Centre Ljubljana
Classification: Uncertain significance for Prader-Willi syndrome. Last evaluated: 2020-01-27. Review status: criteria provided, single submitter. Criteria: ACMG Guidelines, 2015. Collection method: clinical testing. Allele origin: unknown. Affected: yes.
Comment: This variant was classified as: Uncertain significance. The available evidence on this variant's pathogenicity is insufficient or conflicting. The following ACMG criteria were applied in classifying this variant: PM2,BP1.

PreventionGenetics, part of Exact Sciences
Classification: Uncertain significance for MAGEL2-related condition. Last evaluated: 2023-12-01. Review status: no assertion criteria provided. Collection method: clinical testing. Allele origin: germline. Not counted in ClinVar's aggregate classification.
Comment: The MAGEL2 c.1220C>T variant is predicted to result in the amino acid substitution p.Pro407Leu. To our knowledge, this variant has not been reported in the literature. This variant is reported in 0.0068% of alleles in individuals of African descent in gnomAD. At this time, the clinical significance of this variant is uncertain due to the absence of conclusive functional and genetic evidence.